The following is an entry in ClinVar:

ClinVar aggregate classification (germline): Pathogenic (1 of 4 stars; one submission).

Conditions:
Bethlem myopathy 1A. Also called: Bethlem myopathy 1; MYOPATHY, BENIGN CONGENITAL, WITH CONTRACTURES; Bethlem Muscular Dystrophy. Identifiers: Orphanet 610, MedGen CN029274, MONDO:0024530, OMIM 158810.

Submission:

Labcorp Genetics (formerly Invitae), Labcorp
Classification: Pathogenic for Bethlem myopathy 1A. Last evaluated: 2022-12-18. Review status: criteria provided, single submitter. Criteria: Invitae Variant Classification Sherloc (09022015). Collection method: clinical testing. Allele origin: germline.
Comment: For these reasons, this variant has been classified as Pathogenic. This variant has not been reported in the literature in individuals affected with COL6A3-related conditions. This variant is not present in population databases (gnomAD no frequency). This sequence change creates a premature translational stop signal (p.Val1771Serfs*8) in the COL6A3 gene. It is expected to result in an absent or disrupted protein product. Loss-of-function variants in COL6A3 are known to be pathogenic (PMID: 26004199).

Literature cited by the submitters: PubMed 26004199.

NM_004369.4(COL6A3):c.5311del (p.Val1771fs)

Gene: COL6A3 (collagen type VI alpha 3 chain; minus strand). Cytogenetic location: 2q37.3.
Variant type: Deletion.
Coding change: c.5311del on transcript NM_004369.4 (MANE Select); coding-DNA position 5311, one base deleted (G; older notation c.5311delG).
Protein change: p.Val1771fs; shifts the reading frame from valine 1771.
Molecular consequence: frameshift variant.
Genome position (GRCh38, 1-based): chr2:237,366,876, C deleted on the plus strand (G on the coding strand, the reverse complement: COL6A3 is on the minus strand); the first of 6 consecutive C bases (chr2:237,366,876-237,366,881); deleting any one gives the same sequence. VCF-style (leftmost placement, unchanged base first): chr2-237366875-AC-A. GRCh37 (hg19) VCF-style: chr2-238275518-AC-A.
Other names: c.3490del, p.Val1164fs (NM_057166.5); c.4693del, p.Val1565fs (NM_057167.4); short protein forms V1164fs, V1565fs, V1771fs.
Identifiers: ClinVar variation 2821992 (VCV002821992.3), dbSNP rs2469883327, ClinGen allele CA645514273.